The following is an entry in ClinVar:

ClinVar aggregate classification (germline): Uncertain significance (1 of 4 stars; one submission).

Conditions:
CTNNB1-related disorder. Also called: CTNNB1-related condition.

Submission:

PreventionGenetics, part of Exact Sciences
Classification: Uncertain significance for CTNNB1-related condition. Last evaluated: 2026-06-08. Review status: criteria provided, single submitter. Criteria: ACMG Guidelines, 2015. Collection method: clinical testing. Allele origin: germline.
Comment: The CTNNB1 c.1031T>C variant is predicted to result in the amino acid substitution p.Leu344Pro. To our knowledge, this variant has not been reported in the literature or in a large population database (gnomAD), indicating this variant is rare. At this time, the clinical significance of this variant is uncertain due to the absence of conclusive functional and genetic evidence.

NM_001904.4(CTNNB1):c.1031T>C (p.Leu344Pro)

Gene: CTNNB1 (catenin beta 1; plus strand). Cytogenetic location: 3p22.1.
Variant type: single nucleotide variant.
Coding change: c.1031T>C on transcript NM_001904.4 (MANE Select); coding-DNA position 1031, T replaced by C.
Protein change: p.Leu344Pro; replaces leucine 344 with proline.
Molecular consequence: missense variant.
Genome position (GRCh38, 1-based): chr3:41,227,302, T>C. VCF-style: chr3-41227302-T-C. GRCh37 (hg19) VCF-style: chr3-41268793-T-C.
Other names: c.1031T>C, p.Leu344Pro (NM_001098209.2, NM_001098210.2, NM_001438871.1 and 4 more transcripts); c.1010T>C, p.Leu337Pro (NM_001330729.2); short protein forms L337P, L344P.
Identifiers: ClinVar variation 4993628 (VCV004993628.1).